The following is an entry in ClinVar:

ClinVar aggregate classification (germline): Uncertain significance (1 of 4 stars; one submission).

Conditions:
Candidiasis, familial, 9 (CANDF9). Identifiers: Orphanet 1334, MedGen C4225324, MONDO:0014642, OMIM 616445.

Submission:

Labcorp Genetics (formerly Invitae), Labcorp
Classification: Uncertain significance for Candidiasis, familial, 9. Last evaluated: 2025-10-29. Review status: criteria provided, single submitter. Criteria: Invitae Variant Classification Sherloc (09022015). Collection method: clinical testing. Allele origin: germline.
Comment: This sequence change affects an acceptor splice site in intron 2 of the IL17RC gene. It is expected to disrupt RNA splicing. Variants that disrupt the donor or acceptor splice site typically lead to a loss of protein function (PMID: 16199547), however the current clinical and genetic evidence is not sufficient to establish whether loss-of-function variants in IL17RC cause disease. This variant is not present in population databases (gnomAD no frequency). This variant has not been reported in the literature in individuals affected with IL17RC-related conditions. Algorithms developed to predict the effect of sequence changes on RNA splicing suggest that this variant may disrupt the consensus splice site. In summary, the available evidence is currently insufficient to determine the role of this variant in disease. Therefore, it has been classified as a Variant of Uncertain Significance.

Literature cited by the submitters: PubMed 16199547.

NM_153460.4(IL17RC):c.128-2A>T

Gene: IL17RC (interleukin 17 receptor C; plus strand). Cytogenetic location: 3p25.3.
Variant type: single nucleotide variant.
Coding change: c.128-2A>T on transcript NM_153460.4 (MANE Select); the canonical splice acceptor site of the intron before coding-DNA position 128, A replaced by T.
Molecular consequence: splice acceptor variant.
Genome position (GRCh38, 1-based): chr3:9,917,921, A>T. VCF-style: chr3-9917921-A-T. GRCh37 (hg19) VCF-style: chr3-9959605-A-T.
Other names: c.341-2A>T (NM_153461.4); c.128-2A>T (NM_001203263.2, NM_001203264.2, NM_001367278.1 and 5 more transcripts).
Identifiers: ClinVar variation 4766021 (VCV004766021.1).
Genomic context (GRCh38, chr3:9,917,921, plus strand): 5'-CAGGTGCCACCAAATTCTGGGCTTGGAACAGCTTCAGCTCCCACCCGCTCCTCCACACAC[A>T]GACAGTGACATACTCTGCCTGCCTGGGGACATCGTGCCTGCTCCGGGCCCCGTGCTGGCG-3'